The following is an entry in ClinVar:

NM_000287.4(PEX6):c.929C>T (p.Ser310Leu)

Gene: PEX6 (peroxisomal biogenesis factor 6; minus strand). Cytogenetic location: 6p21.1.
Variant type: single nucleotide variant.
Coding change: c.929C>T on transcript NM_000287.4 (MANE Select); coding-DNA position 929, C replaced by T.
Protein change: p.Ser310Leu; replaces serine 310 with leucine.
Molecular consequence: missense variant. On other transcripts: non-coding transcript variant (1).
Genome position (GRCh38, 1-based): chr6:42,974,992, G>A on the plus strand (C>T on the coding strand, the complement: PEX6 is on the minus strand). VCF-style: chr6-42974992-G-A. GRCh37 (hg19) VCF-style: chr6-42942730-G-A.
Other names: c.665C>T, p.Ser222Leu (NM_001316313.2); short protein forms S222L, S310L.
Identifiers: ClinVar variation 1701971 (VCV001701971.4), dbSNP rs2150236110, ClinGen allele CA364160062.
Genomic context (GRCh38, chr6:42,974,992, plus strand): 5'-TGGGGAGAAGACACAATTTCGATGTGTAACTCTCTGGCAAATGGAGGCCCAGGCAGCAAT[G>A]AGCAGCTTCCTTTGTCTTCAGGGGCGATGGAGCCTTCCAAGTACCTCTATTAGAGAAATA-3'
Protein context (NP_000278.3, residues 300-320): SIAPEDKGSC[Ser310Leu]LLPGPPFARE

ClinVar aggregate classification (germline): Likely pathogenic (1 of 4 stars; one submission).

Conditions:
Peroxisome biogenesis disorder 4A (Zellweger) (PBD4A). Also called: Zellweger syndrome spectrum (PEX6-related). Identifiers: Orphanet 912, MedGen C3553936, MONDO:0013930, OMIM 614862. Disease mechanism: loss of function.

gnomAD v4.1: 1 of 1,613,708 alleles (0.000062%); highest among the groups gnomAD compares: Non-Finnish European, 0.000085%; no homozygotes.

Submission:

Centre de Génétique Humaine, Institut de Pathologie Et de Génétique
Classification: Likely pathogenic for Peroxisome biogenesis disorder 4A (Zellweger). Last evaluated: 2022-07-04. Review status: criteria provided, single submitter. Criteria: ACMG Guidelines, 2015. Collection method: clinical testing. Allele origin: paternal, not applicable. Inheritance: Autosomal recessive inheritance. Affected: yes. Observed: 1 compound heterozygote. Functional consequence: Decreased function.
Comment: Missense variant affecting a mildly conserved nucleotide & amino acid. Serine is highly different from Leucine on a biochemical point of view. Not present in GnomAD. Bioinformatic tools are inconclusive. This variant is not targeted by NMD.